The following is an entry in ClinVar:

ClinVar aggregate classification (germline): Conflicting classifications of pathogenicity. Review status: criteria provided, conflicting classifications (1 of 4 stars). 2 submissions from 2 submitters: Uncertain significance (1); Likely benign (1). Last evaluated 2025-11-17.

Conditions:
Developmental and epileptic encephalopathy, 48 (DEE48). Also called: Epileptic encephalopathy, early infantile, 48. Identifiers: MedGen C4310637, MONDO:0015000, OMIM 617276.

Allele frequency attached by ClinVar (database versions not stated): TOPMed 0.00011; 1000 Genomes Project 30x 0.00016; 1000 Genomes Project 0.00020; gnomAD 0.00042 and 0.00043; gnomAD exomes 0.00053; ExAC 0.00055.
gnomAD v4.1: 476 of 1,613,246 alleles (0.03%); highest among the groups gnomAD compares: Admixed American, 0.022%; no homozygotes.

Submissions (2):

Labcorp Genetics (formerly Invitae), Labcorp
Classification: Likely benign. Last evaluated: 2025-11-17. Review status: criteria provided, single submitter. Criteria: Invitae Variant Classification Sherloc (09022015). Collection method: clinical testing. Allele origin: germline.

Baylor Genetics
Classification: Uncertain significance for Developmental and epileptic encephalopathy, 48. Last evaluated: 2018-02-13. Review status: criteria provided, single submitter. Criteria: ACMG Guidelines, 2015. Collection method: clinical testing. Allele origin: maternal. Affected: yes.
Comment: This variant was determined to be of uncertain significance according to ACMG Guidelines, 2015 [PMID:25741868].

NM_001278512.2(AP3B2):c.2633G>A (p.Arg878Gln)

Genes: AP3B2 (adaptor related protein complex 3 subunit beta 2; minus strand), CPEB1-AS1 (CPEB1 antisense RNA 1; plus strand). Cytogenetic location: 15q25.2.
Variant type: single nucleotide variant.
Coding change: c.2633G>A on transcript NM_001278512.2 (MANE Select); coding-DNA position 2633, G replaced by A.
Protein change: p.Arg878Gln; replaces arginine 878 with glutamine.
Molecular consequence: missense variant.
Genome position (GRCh38, 1-based): chr15:82,662,894, C>T on the plus strand (G>A on the coding strand, the complement: AP3B2 is on the minus strand). VCF-style: chr15-82662894-C-T. GRCh37 (hg19) VCF-style: chr15-83331646-C-T.
Other names: c.2480G>A, p.Arg827Gln (NM_001278511.2); c.2576G>A, p.Arg859Gln (NM_004644.5); short protein forms R827Q, R859Q, R878Q.
Identifiers: ClinVar variation 1034106 (VCV001034106.9), dbSNP rs529642370, ClinGen allele CA7699828.
Genomic context (GRCh38, chr15:82,662,894, plus strand): 5'-CGGCTGAAGGTGTAGTCCACAGCCAGCCCCTCGCCAGCTACCCGGTGCAGCAGCTCCTGC[C>T]GCCCAACACCCGATACTGGACTCAGAAGCTAGAGTGGAGGGGTAGGGAAGGACAGAACTG-3'
Protein context (NP_001265441.1, residues 868-888): SLLSPVSGVG[Arg878Gln]QELLHRVAGE